The following is an entry in ClinVar:

NM_006118.4(HAX1):c.817G>A (p.Gly273Arg)

Gene: HAX1 (HCLS1 associated protein X-1; plus strand). Cytogenetic location: 1q21.3.
Variant type: single nucleotide variant.
Coding change: c.817G>A on transcript NM_006118.4 (MANE Select); coding-DNA position 817, G replaced by A.
Protein change: p.Gly273Arg; replaces glycine 273 with arginine.
Molecular consequence: missense variant.
Genome position (GRCh38, 1-based): chr1:154,275,678, G>A. VCF-style: chr1-154275678-G-A. GRCh37 (hg19) VCF-style: chr1-154248154-G-A.
Other names: c.673G>A, p.Gly225Arg (NM_001018837.2); short protein forms G273R, G225R.
Identifiers: ClinVar variation 4269054 (VCV004269054.1).

ClinVar aggregate classification (germline): Uncertain significance (1 of 4 stars; one submission).

Conditions:
Inborn genetic diseases. Identifiers: MedGen C0950123, MeSH D030342.

Submission:

Ambry Genetics
Classification: Uncertain significance for Inborn genetic diseases. Last evaluated: 2025-08-24. Review status: criteria provided, single submitter. Criteria: Ambry Variant Classification Scheme 2023. Collection method: clinical testing. Allele origin: germline.
Comment: The p.G273R variant (also known as c.817G>A), located in coding exon 7 of the HAX1 gene, results from a G to A substitution at nucleotide position 817. The glycine at codon 273 is replaced by arginine, an amino acid with dissimilar properties. This amino acid position is conserved. In addition, this alteration is predicted to be tolerated by in silico analysis. Based on the available evidence, the clinical significance of this variant remains unclear.